The following is an entry in ClinVar:

ClinVar aggregate classification (germline): Uncertain significance (1 of 4 stars; one submission).

Conditions:
Inborn genetic diseases. Identifiers: MedGen C0950123, MeSH D030342.

Allele frequency attached by ClinVar (database versions not stated): gnomAD exomes below 0.00001; ExAC 0.00001.
gnomAD v4.1: 2 of 1,613,364 alleles (0.00012%); no homozygotes.

Submission:

Ambry Genetics
Classification: Uncertain significance for Inborn genetic diseases. Last evaluated: 2022-07-19. Review status: criteria provided, single submitter. Criteria: Ambry Variant Classification Scheme 2023. Collection method: clinical testing. Allele origin: germline.
Comment: The p.T474I variant (also known as c.1421C>T), located in coding exon 11 of the BUB1B gene, results from a C to T substitution at nucleotide position 1421. The threonine at codon 474 is replaced by isoleucine, an amino acid with similar properties. This amino acid position is conserved. In addition, this alteration is predicted to be tolerated by in silico analysis. Since supporting evidence is limited at this time, the clinical significance of this alteration remains unclear.

NM_001211.6(BUB1B):c.1421C>T (p.Thr474Ile)

Gene: BUB1B (BUB1 mitotic checkpoint serine/threonine kinase B; plus strand). Cytogenetic location: 15q15.1.
Variant type: single nucleotide variant.
Coding change: c.1421C>T on transcript NM_001211.6 (MANE Select); coding-DNA position 1421, C replaced by T.
Protein change: p.Thr474Ile; replaces threonine 474 with isoleucine.
Molecular consequence: missense variant.
Genome position (GRCh38, 1-based): chr15:40,200,263, C>T. VCF-style: chr15-40200263-C-T. GRCh37 (hg19) VCF-style: chr15-40492464-C-T.
Other names: short protein forms T474I.
Identifiers: ClinVar variation 1772269 (VCV001772269.2), dbSNP rs754370059, ClinGen allele CA7475744.